The following is an entry in ClinVar:

ClinVar aggregate classification (germline): Uncertain significance (1 of 4 stars; one submission).

gnomAD v4.1: 2 of 1,611,662 alleles (0.00012%); highest among the groups gnomAD compares: Non-Finnish European, 0.000085%; no homozygotes.

Submission:

Labcorp Genetics (formerly Invitae), Labcorp
Classification: Uncertain significance. Last evaluated: 2024-09-10. Review status: criteria provided, single submitter. Criteria: Invitae Variant Classification Sherloc (09022015). Collection method: clinical testing. Allele origin: germline.
Comment: This sequence change replaces alanine, which is neutral and non-polar, with threonine, which is neutral and polar, at codon 1039 of the ERBB4 protein (p.Ala1039Thr). This variant is not present in population databases (gnomAD no frequency). This variant has not been reported in the literature in individuals affected with ERBB4-related conditions. ClinVar contains an entry for this variant (Variation ID: 1439648). An algorithm developed to predict the effect of missense changes on protein structure and function outputs the following: PolyPhen-2: "Benign". The threonine amino acid residue is found in multiple mammalian species, which suggests that this missense change does not adversely affect protein function. In summary, the available evidence is currently insufficient to determine the role of this variant in disease. Therefore, it has been classified as a Variant of Uncertain Significance.

NM_005235.3(ERBB4):c.3115G>A (p.Ala1039Thr)

Gene: ERBB4 (erb-b2 receptor tyrosine kinase 4; minus strand). Cytogenetic location: 2q34.
Variant type: single nucleotide variant.
Coding change: c.3115G>A on transcript NM_005235.3 (MANE Select); coding-DNA position 3115, G replaced by A.
Protein change: p.Ala1039Thr; replaces alanine 1039 with threonine.
Molecular consequence: missense variant.
Genome position (GRCh38, 1-based): chr2:211,420,461, C>T on the plus strand (G>A on the coding strand, the complement: ERBB4 is on the minus strand). VCF-style: chr2-211420461-C-T. GRCh37 (hg19) VCF-style: chr2-212285186-C-T.
Other names: c.3115G>A, p.Ala1039Thr (NM_001042599.2); short protein forms A1039T.
Identifiers: ClinVar variation 1439648 (VCV001439648.6), dbSNP rs1398681951, ClinGen allele CA350777912.